The following is an entry in ClinVar:

ClinVar aggregate classification (germline): Conflicting classifications of pathogenicity. Review status: criteria provided, conflicting classifications (1 of 4 stars). 5 submissions from 5 submitters: Uncertain significance (4); Likely benign (1). Last evaluated 2025-08-31.

Conditions:
Hereditary cancer-predisposing syndrome. Also called: Hereditary neoplastic syndrome; Neoplastic Syndromes, Hereditary; Hereditary Cancer Syndrome; Tumor predisposition. Identifiers: Orphanet 140162, MedGen C0027672, MeSH D009386, MONDO:0015356.
Cardiovascular phenotype. Identifiers: MedGen CN230736.
Juvenile myelomonocytic leukemia (JMML). Also called: LEUKEMIA, JUVENILE MYELOMONOCYTIC, SOMATIC. Identifiers: Orphanet 86834, MedGen C0349639, MONDO:0011908, OMIM 607785, HP:0012209.
Neurofibromatosis, type 1 (NF1). Also called: Neurofibromatosis, type I; NEUROFIBROMATOSIS, TYPE I, SOMATIC; Peripheral type neurofibromatosis; VON RECKLINGHAUSEN DISEASE. Identifiers: Orphanet 636, MedGen C0027831, MONDO:0018975, OMIM 162200. Disease mechanism: loss of function.

Submissions (5):

Ambry Genetics
Classification: Uncertain significance for Cardiovascular phenotype; Hereditary cancer-predisposing syndrome. Last evaluated: 2025-08-31. Review status: criteria provided, single submitter. Criteria: Ambry Variant Classification Scheme 2023. Collection method: clinical testing. Allele origin: germline.
Comment: The p.P1358S variant (also known as c.4072C>T), located in coding exon 30 of the NF1 gene, results from a C to T substitution at nucleotide position 4072. The proline at codon 1358 is replaced by serine, an amino acid with similar properties. This amino acid position is highly conserved in available vertebrate species. In addition, this alteration is predicted to be deleterious by in silico analysis. Since supporting evidence is limited at this time, the clinical significance of this alteration remains unclear.

Labcorp Genetics (formerly Invitae), Labcorp
Classification: Likely benign for Neurofibromatosis, type 1. Last evaluated: 2025-07-19. Review status: criteria provided, single submitter. Criteria: Invitae Variant Classification Sherloc (09022015). Collection method: clinical testing. Allele origin: germline.

Baylor Genetics
Classification: Uncertain significance for Juvenile myelomonocytic leukemia. Last evaluated: 2023-11-29. Review status: criteria provided, single submitter. Criteria: ACMG Guidelines, 2015. Collection method: clinical testing. Allele origin: unknown.

Genome-Nilou Lab
Classification: Uncertain significance for Neurofibromatosis, type 1. Last evaluated: 2022-03-15. Review status: criteria provided, single submitter. Criteria: ACMG Guidelines, 2015. Collection method: clinical testing. Allele origin: germline. Affected: no.

CeGaT Center for Human Genetics Tuebingen
Classification: Uncertain significance. Last evaluated: 2016-10-01. Review status: criteria provided, single submitter. Criteria: CeGaT Center For Human Genetics Tuebingen Variant Classification Criteria Version 2. Collection method: clinical testing. Allele origin: germline. Affected: yes. Observed: 1 variant allele.

NM_001042492.3(NF1):c.4072C>T (p.Pro1358Ser)

Gene: NF1 (neurofibromin 1; plus strand). Cytogenetic location: 17q11.2.
Variant type: single nucleotide variant.
Coding change: c.4072C>T on transcript NM_001042492.3 (MANE Select); coding-DNA position 4072, C replaced by T.
Protein change: p.Pro1358Ser; replaces proline 1358 with serine.
Molecular consequence: missense variant.
Genome position (GRCh38, 1-based): chr17:31,249,081, C>T. VCF-style: chr17-31249081-C-T. GRCh37 (hg19) VCF-style: chr17-29576099-C-T.
Other names: c.4072C>T, p.Pro1358Ser (NM_000267.4); short protein forms P1358S.
Identifiers: ClinVar variation 457677 (VCV000457677.53), dbSNP rs1555617359, ClinGen allele CA398995027.